The following is an entry in ClinVar:

ClinVar aggregate classification (germline): Likely benign (1 of 4 stars; one submission).

gnomAD v4.1: 3 of 1,585,004 alleles (0.00019%); highest among the groups gnomAD compares: Non-Finnish European, 0.00026%; no homozygotes.

Submission:

CeGaT Center for Human Genetics Tuebingen
Classification: Likely benign. Last evaluated: 2026-09-01. Review status: criteria provided, single submitter. Criteria: CeGaT Center For Human Genetics Tuebingen Variant Classification Criteria Version 2. Collection method: clinical testing. Allele origin: germline. Affected: yes. Observed: 1 variant allele.
Comment: CDK8: BP4

NM_001260.3(CDK8):c.457-6C>T

Gene: CDK8 (cyclin dependent kinase 8; plus strand). Cytogenetic location: 13q12.13.
Variant type: single nucleotide variant.
Coding change: c.457-6C>T on transcript NM_001260.3 (MANE Select); 6 bases into the intron before coding-DNA position 457, C replaced by T.
Molecular consequence: intron variant.
Genome position (GRCh38, 1-based): chr13:26,382,808, C>T. VCF-style: chr13-26382808-C-T. GRCh37 (hg19) VCF-style: chr13-26956945-C-T.
Other names: c.457-6C>T (NM_001318368.2); c.-5-2403C>T (NM_001346501.2).
Identifiers: ClinVar variation 5041383 (VCV005041383.1).